The following is an entry in ClinVar:

ClinVar aggregate classification (germline): Uncertain significance (1 of 4 stars; one submission).

Conditions:
Thyroid dyshormonogenesis 6 (TDH6). Also called: Genetic transient congenital hypothyroidism; THYROID HORMONOGENESIS, GENETIC DEFECT IN, 6; HYPOTHYROIDISM, CONGENITAL, DUE TO DYSHORMONOGENESIS, 6. Identifiers: Orphanet 226316, Orphanet 95716, MedGen C1846632, MONDO:0011792, OMIM 607200.

Submission:

Genetics and Molecular Pathology, SA Pathology
Classification: Uncertain significance for Thyroid dyshormonogenesis 6. Last evaluated: 2022-01-04. Review status: criteria provided, single submitter. Criteria: ACMG Guidelines, 2015. Collection method: clinical testing. Allele origin: germline. Affected: yes.
Comment: There is insufficient evidence to classify this variant.

NM_001363711.2(DUOX2):c.4240A>T (p.Ile1414Phe)

Gene: DUOX2 (dual oxidase 2; minus strand). Cytogenetic location: 15q21.1.
Variant type: single nucleotide variant.
Coding change: c.4240A>T on transcript NM_001363711.2 (MANE Select); coding-DNA position 4240, A replaced by T.
Protein change: p.Ile1414Phe; replaces isoleucine 1414 with phenylalanine.
Molecular consequence: missense variant.
Genome position (GRCh38, 1-based): chr15:45,095,091, T>A on the plus strand (A>T on the coding strand, the complement: DUOX2 is on the minus strand). VCF-style: chr15-45095091-T-A. GRCh37 (hg19) VCF-style: chr15-45387289-T-A.
Other names: c.4240A>T, p.Ile1414Phe (NM_014080.5); short protein forms I1414F.
Identifiers: ClinVar variation 2664829 (VCV002664829.1), dbSNP rs2504737928, ClinGen allele CA392250950.